The following is an entry in ClinVar:

ClinVar aggregate classification (germline): Uncertain significance. Review status: criteria provided, multiple submitters, no conflicts (2 of 4 stars). 2 submissions from 2 submitters: Uncertain significance (2). Last evaluated 2025-05-13.

Conditions:
Cognitive impairment with or without cerebellar ataxia (CIAT). Identifiers: MedGen C3280415, MONDO:0013680, OMIM 614306.

Submissions (2):

Clinical Genetics Laboratory, University Hospital Schleswig-Holstein
Classification: Uncertain significance for Cognitive impairment with or without cerebellar ataxia. Last evaluated: 2025-05-13. Review status: criteria provided, single submitter. Criteria: ACMG Guidelines, 2015. Collection method: clinical testing. Allele origin: germline. Affected: yes. Observed: 1 heterozygote.
Comment: ACMG criteria applied: PM2, PP3, PP2

GeneDx
Classification: Uncertain significance. Last evaluated: 2022-09-01. Review status: criteria provided, single submitter. Criteria: GeneDx Variant Classification Process June 2021. Collection method: clinical testing. Allele origin: germline. Affected: yes.
Comment: Not observed at significant frequency in large population cohorts (gnomAD); Missense variants in this gene are often considered pathogenic (HGMD); In silico analysis supports that this missense variant has a deleterious effect on protein structure/function; In silico analysis supports a deleterious effect on splicing; Has not been previously published as pathogenic or benign to our knowledge; This substitution is predicted to be within the extracellular loop between the S5 and S6 transmembrane segments of the second homologous domain

NM_001330260.2(SCN8A):c.2753A>G (p.His918Arg)

Gene: SCN8A (sodium voltage-gated channel alpha subunit 8; plus strand). Cytogenetic location: 12q13.13.
Variant type: single nucleotide variant.
Coding change: c.2753A>G on transcript NM_001330260.2 (MANE Select); coding-DNA position 2753, A replaced by G.
Protein change: p.His918Arg; replaces histidine 918 with arginine.
Molecular consequence: missense variant.
Genome position (GRCh38, 1-based): chr12:51,765,879, A>G. VCF-style: chr12-51765879-A-G. GRCh37 (hg19) VCF-style: chr12-52159663-A-G.
Other names: c.2753A>G, p.His918Arg (NM_001177984.3, NM_001369788.1, NM_014191.4); short protein forms H918R.
Identifiers: ClinVar variation 1704164 (VCV001704164.3), dbSNP rs2540260546, ClinGen allele CA384888462.